The following is an entry in ClinVar:

ClinVar aggregate classification (germline): Uncertain significance (1 of 4 stars; one submission).

Allele frequency attached by ClinVar (database versions not stated): TOPMed below 0.00001; ExAC 0.00001; gnomAD 0.00001; gnomAD exomes 0.00001.
gnomAD v4.1: 25 of 1,614,008 alleles (0.0015%); highest among the groups gnomAD compares: Non-Finnish European, 0.0019%; no homozygotes.

Submission:

Labcorp Genetics (formerly Invitae), Labcorp
Classification: Uncertain significance. Last evaluated: 2022-02-04. Review status: criteria provided, single submitter. Criteria: Invitae Variant Classification Sherloc (09022015). Collection method: clinical testing. Allele origin: germline.
Comment: This sequence change replaces valine, which is neutral and non-polar, with isoleucine, which is neutral and non-polar, at codon 557 of the MTTP protein (p.Val557Ile). This variant is present in population databases (rs756990853, gnomAD 0.0009%). This variant has not been reported in the literature in individuals affected with MTTP-related conditions. Algorithms developed to predict the effect of missense changes on protein structure and function (SIFT, PolyPhen-2, Align-GVGD) all suggest that this variant is likely to be tolerated. In summary, the available evidence is currently insufficient to determine the role of this variant in disease. Therefore, it has been classified as a Variant of Uncertain Significance.

NM_001386140.1(MTTP):c.1669G>A (p.Val557Ile)

Gene: MTTP (microsomal triglyceride transfer protein; plus strand). Cytogenetic location: 4q23.
Variant type: single nucleotide variant.
Coding change: c.1669G>A on transcript NM_001386140.1 (MANE Select); coding-DNA position 1669, G replaced by A.
Protein change: p.Val557Ile; replaces valine 557 with isoleucine.
Molecular consequence: missense variant.
Genome position (GRCh38, 1-based): chr4:99,608,877, G>A. VCF-style: chr4-99608877-G-A. GRCh37 (hg19) VCF-style: chr4-100530034-G-A.
Other names: c.1669G>A, p.Val557Ile (NM_000253.4); c.1420G>A, p.Val474Ile (NM_001300785.2); short protein forms V474I, V557I.
Identifiers: ClinVar variation 1411606 (VCV001411606.5), dbSNP rs756990853, ClinGen allele CA3022153.